The following is an entry in ClinVar:

NM_000291.4(PGK1):c.730T>G (p.Phe244Val)

Gene: PGK1 (phosphoglycerate kinase 1; plus strand). Cytogenetic location: Xq21.1.
Variant type: single nucleotide variant.
Coding change: c.730T>G on transcript NM_000291.4 (MANE Select); coding-DNA position 730, T replaced by G.
Protein change: p.Phe244Val; replaces phenylalanine 244 with valine.
Molecular consequence: missense variant.
Genome position (GRCh38, 1-based): chrX:78,122,923, T>G. VCF-style: chrX-78122923-T-G. GRCh37 (hg19) VCF-style: chrX-77378420-T-G.
Other names: short protein forms F244V.
Identifiers: ClinVar variation 1339796 (VCV001339796.5), dbSNP rs2078363321, ClinGen allele CA413715852.

ClinVar aggregate classification (germline): Uncertain significance (1 of 4 stars; one submission).

Conditions:
PGK1-related disorder. Also called: PGK1-related condition.

Allele frequency attached by ClinVar (database versions not stated): gnomAD exomes below 0.00001.
gnomAD v4.1: 2 of 1,173,115 alleles (0.00017%); highest among the groups gnomAD compares: East Asian, 0.0059%; no homozygotes.

Submission:

Labcorp Genetics (formerly Invitae), Labcorp
Classification: Uncertain significance. Last evaluated: 2022-02-02. Review status: criteria provided, single submitter. Criteria: Invitae Variant Classification Sherloc (09022015). Collection method: clinical testing. Allele origin: germline.
Comment: In summary, the available evidence is currently insufficient to determine the role of this variant in disease. Therefore, it has been classified as a Variant of Uncertain Significance. Algorithms developed to predict the effect of missense changes on protein structure and function are either unavailable or do not agree on the potential impact of this missense change (SIFT: "Deleterious"; PolyPhen-2: "Probably Damaging"; Align-GVGD: "Class C0"). This missense change has been observed in individual(s) with clinical features of PGK1-related conditions (PMID: 31175295). This variant is not present in population databases (gnomAD no frequency). This sequence change replaces phenylalanine, which is neutral and non-polar, with valine, which is neutral and non-polar, at codon 244 of the PGK1 protein (p.Phe244Val).

Literature cited by the submitters: PubMed 31175295 (cited by Labcorp Genetics (formerly Invitae), Labcorp).